The following is an entry in ClinVar:

ClinVar aggregate classification (germline): Pathogenic (1 of 4 stars; one submission).

Conditions:
CHD7-related CHARGE syndrome. Identifiers: MedGen CN380413, MONDO:1010178, OMIM 214800.

Submission:

Victorian Clinical Genetics Services, Murdoch Childrens Research Institute
Classification: Pathogenic for CHD7-related CHARGE syndrome. Last evaluated: 2026-07-02. Review status: criteria provided, single submitter. Criteria: ACMG Guidelines, 2015. Collection method: clinical testing. Allele origin: germline. Affected: yes.
Comment: This variant is classified as Pathogenic. Evidence in support of pathogenic classification: This variant is predicted to cause nonsense-mediated decay (NMD) and loss of protein (premature termination codon is located at least 54 nucleotides upstream of the final exon-exon junction); This variant is absent from gnomAD v4; Other variants comparable to the one identified in this case have very strong previous evidence for pathogenicity (DECIPHER). Additional information: This gene is associated with autosomal dominant disease; Loss of function is a known mechanism of disease in this gene and is associated with CHARGE syndrome (MIM#214800) and hypogonadotropic hypogonadism 5 with or without anosmia (MIM#612370); Variants in this gene are known to have variable expressivity (PMID: 20301296).

Literature cited by the submitters: PubMed 20301296.

NM_017780.4(CHD7):c.6340del (p.Tyr2114fs)

Gene: CHD7 (chromodomain helicase DNA binding protein 7; plus strand). Cytogenetic location: 8q12.2.
Variant type: Deletion.
Coding change: c.6340del on transcript NM_017780.4 (MANE Select); coding-DNA position 6340, one base deleted (T; older notation c.6340delT).
Protein change: p.Tyr2114fs; shifts the reading frame from tyrosine 2114.
Molecular consequence: frameshift variant. On other transcripts: intron variant (1).
Genome position (GRCh38, 1-based): chr8:60,853,065, T deleted; the last of 2 consecutive T bases (chr8:60,853,064-60,853,065); deleting either gives the same sequence. VCF-style (leftmost placement, unchanged base first): chr8-60853063-AT-A. GRCh37 (hg19) VCF-style: chr8-61765622-AT-A.
Other names: c.1717-9164del (NM_001316690.1); short protein forms Y2114fs.
Identifiers: ClinVar variation 4879760 (VCV004879760.1).